The following is an entry in ClinVar:

NM_001035.3(RYR2):c.7456C>T (p.His2486Tyr)

Gene: RYR2 (ryanodine receptor 2; plus strand). Cytogenetic location: 1q43.
Variant type: single nucleotide variant.
Coding change: c.7456C>T on transcript NM_001035.3 (MANE Select); coding-DNA position 7456, C replaced by T.
Protein change: p.His2486Tyr; replaces histidine 2486 with tyrosine.
Molecular consequence: missense variant.
Genome position (GRCh38, 1-based): chr1:237,648,557, C>T. VCF-style: chr1-237648557-C-T. GRCh37 (hg19) VCF-style: chr1-237811857-C-T.
Other names: c.7456C>T, p.His2486Tyr (LRG_402t1); short protein forms H2486Y.
Identifiers: ClinVar variation 662329 (VCV000662329.10), dbSNP rs1573330357, ClinGen allele CA345398502.

ClinVar aggregate classification (germline): Uncertain significance (1 of 4 stars; one submission).

Conditions:
Catecholaminergic polymorphic ventricular tachycardia 1. Also called: VENTRICULAR TACHYCARDIA, CATECHOLAMINERGIC POLYMORPHIC, 1, WITH OR WITHOUT ATRIAL DYSFUNCTION AND/OR DILATED CARDIOMYOPATHY; VENTRICULAR TACHYCARDIA, STRESS-INDUCED POLYMORPHIC 1; RYR2-Related Catecholaminergic Polymorphic Ventricular Tachycardia. Identifiers: Orphanet 3286, MedGen C1631597, MONDO:0011484, OMIM 604772.

Submission:

Labcorp Genetics (formerly Invitae), Labcorp
Classification: Uncertain significance for Catecholaminergic polymorphic ventricular tachycardia 1. Last evaluated: 2018-09-20. Review status: criteria provided, single submitter. Criteria: Invitae Variant Classification Sherloc (09022015). Collection method: clinical testing. Allele origin: germline.
Comment: This sequence change replaces histidine with tyrosine at codon 2486 of the RYR2 protein (p.His2486Tyr). The histidine residue is highly conserved and there is a moderate physicochemical difference between histidine and tyrosine. In summary, the available evidence is currently insufficient to determine the role of this variant in disease. Therefore, it has been classified as a Variant of Uncertain Significance. Algorithms developed to predict the effect of missense changes on protein structure and function (SIFT, PolyPhen-2, Align-GVGD) all suggest that this variant is likely to be disruptive, but these predictions have not been confirmed by published functional studies and their clinical significance is uncertain. This variant has not been reported in the literature in individuals with RYR2-related disease. This variant is not present in population databases (ExAC no frequency).